The following is an entry in ClinVar:

NM_018249.6(CDK5RAP2):c.4730C>T (p.Ala1577Val)

Gene: CDK5RAP2 (CDK5 regulatory subunit associated protein 2; minus strand). Cytogenetic location: 9q33.2.
Variant type: single nucleotide variant.
Coding change: c.4730C>T on transcript NM_018249.6 (MANE Select); coding-DNA position 4730, C replaced by T.
Protein change: p.Ala1577Val; replaces alanine 1577 with valine.
Molecular consequence: missense variant. On other transcripts: non-coding transcript variant (5), intron variant (1).
Genome position (GRCh38, 1-based): chr9:120,407,245, G>A on the plus strand (C>T on the coding strand, the complement: CDK5RAP2 is on the minus strand). VCF-style: chr9-120407245-G-A. GRCh37 (hg19) VCF-style: chr9-123169523-G-A.
Other names: c.4040C>T, p.Ala1347Val (NM_001272039.2); c.4726+1102C>T (NM_001011649.3); short protein forms A1577V, A1347V.
Identifiers: ClinVar variation 210638 (VCV000210638.28), dbSNP rs143946953, ClinGen allele CA205623.

ClinVar aggregate classification (germline): Conflicting classifications of pathogenicity. Review status: criteria provided, conflicting classifications (1 of 4 stars). 5 submissions from 5 submitters: Uncertain significance (4); Likely benign (1). Last evaluated 2025-09-01.

Conditions:
Microcephaly 3, primary, autosomal recessive. Identifiers: Orphanet 2512, MedGen C1858108, MONDO:0011488, OMIM 604804.

Allele frequency attached by ClinVar (database versions not stated): gnomAD 0.00066 and 0.00069; gnomAD exomes 0.00069 and 0.00128; ESP Exome Variant Server 0.00077; ExAC 0.00079; 1000 Genomes Project 0.00020; 1000 Genomes Project 30x 0.00047; TOPMed 0.00059.

Submissions (8):

CeGaT Center for Human Genetics Tuebingen
Classification: Likely benign. Last evaluated: 2025-09-01. Review status: criteria provided, single submitter. Criteria: CeGaT Center For Human Genetics Tuebingen Variant Classification Criteria Version 2. Collection method: clinical testing. Allele origin: germline. Affected: yes. Observed: 3 variant alleles.
Comment: CDK5RAP2: BP4

Daryl Scott Lab, Baylor College of Medicine
Classification: Uncertain significance for Microcephaly 3, primary, autosomal recessive. Last evaluated: 2025-08-25. Review status: criteria provided, single submitter. Criteria: ACMG Guidelines, 2015. Collection method: clinical testing. Allele origin: paternal. Affected: yes. Observed: 1 heterozygote.
Comment: BS1, BS2, PM3

Revvity Omics, Revvity
Classification: Uncertain significance for Microcephaly 3, primary, autosomal recessive. Last evaluated: 2023-03-21. Review status: criteria provided, single submitter. Criteria: ACMG Guidelines, 2015. Collection method: clinical testing. Allele origin: germline.

Labcorp Genetics (formerly Invitae), Labcorp
Classification: Uncertain significance. Last evaluated: 2022-10-19. Review status: criteria provided, single submitter. Criteria: Invitae Variant Classification Sherloc (09022015). Collection method: clinical testing. Allele origin: germline.
Comment: This sequence change replaces alanine, which is neutral and non-polar, with valine, which is neutral and non-polar, at codon 1577 of the CDK5RAP2 protein (p.Ala1577Val). This variant is present in population databases (rs143946953, gnomAD 0.1%), and has an allele count higher than expected for a pathogenic variant. This variant has not been reported in the literature in individuals affected with CDK5RAP2-related conditions. ClinVar contains an entry for this variant (Variation ID: 210638). Algorithms developed to predict the effect of missense changes on protein structure and function are either unavailable or do not agree on the potential impact of this missense change (SIFT: "Tolerated"; PolyPhen-2: "Possibly Damaging"; Align-GVGD: "Class C0"). In summary, the available evidence is currently insufficient to determine the role of this variant in disease. Therefore, it has been classified as a Variant of Uncertain Significance.

Genetic Services Laboratory, University of Chicago
Classification: Uncertain significance. Last evaluated: 2015-07-22. Review status: criteria provided, single submitter. Criteria: ACMG Guidelines, 2015. Collection method: clinical testing. Allele origin: germline.

Dr. Peter K. Rogan Lab, Western University
No classification provided (evidence only). Condition: Clear cell carcinoma of kidney. Review status: no classification provided. Collection method: in vitro. Allele origin: not applicable. Functional consequence: retained intron. Not counted in ClinVar's aggregate classification.

Dr. Peter K. Rogan Lab, Western University
No classification provided (evidence only). Condition: Acute myeloid leukemia. Review status: no classification provided. Collection method: in vitro. Allele origin: not applicable. Functional consequence: retained intron. Not counted in ClinVar's aggregate classification.

Dr. Peter K. Rogan Lab, Western University
No classification provided (evidence only). Condition: Ovarian serous cystadenocarcinoma. Review status: no classification provided. Collection method: in vitro. Allele origin: not applicable. Functional consequence: retained intron. Not counted in ClinVar's aggregate classification.